The following is an entry in ClinVar:

NM_000463.3(UGT1A1):c.1411G>A (p.Ala471Thr)

Genes: UGT1A5 (UDP glucuronosyltransferase family 1 member A5; plus strand), UGT1A6 (UDP glucuronosyltransferase family 1 member A6; plus strand), UGT1A9 (UDP glucuronosyltransferase family 1 member A9; plus strand), UGT1A7 (UDP glucuronosyltransferase family 1 member A7; plus strand), UGT1A8 (UDP glucuronosyltransferase family 1 member A8; plus strand) and 5 more. Cytogenetic location: 2q37.1.
Variant type: single nucleotide variant.
Coding change: c.1411G>A on transcript NM_000463.3 (MANE Select); coding-DNA position 1411, G replaced by A.
Protein change: p.Ala471Thr; replaces alanine 471 with threonine.
Molecular consequence: missense variant.
Genome position (GRCh38, 1-based): chr2:233,772,368, G>A. VCF-style: chr2-233772368-G-A. GRCh37 (hg19) VCF-style: chr2-234681014-G-A.
Other names: c.1402G>A, p.Ala468Thr (NM_019075.4, NM_019076.5, NM_019077.3 and 1 more transcripts); c.1408G>A, p.Ala470Thr (NM_001072.4); c.607G>A, p.Ala203Thr (NM_205862.3); c.1414G>A, p.Ala472Thr (NM_019078.2, NM_007120.3, NM_019093.4); short protein forms A468T, A471T, A472T, A203T, A470T.
Identifiers: ClinVar variation 897467 (VCV000897467.14), dbSNP rs775532505, ClinGen allele CA2180119.

ClinVar aggregate classification (germline): Uncertain significance. Review status: criteria provided, multiple submitters, no conflicts (2 of 4 stars). 5 submissions from 3 submitters: Uncertain significance (5). Last evaluated 2026-06-06.

Conditions:
Crigler-Najjar syndrome. Identifiers: Orphanet 205, MedGen C5551003, MONDO:0009044.
UGT1A1-related disorder. Also called: UGT1A1-related disorders; UGT1A1-related condition.
Gilbert syndrome. Also called: HYPERBILIRUBINEMIA I; HYPERBILIRUBINEMIA, ARIAS TYPE; HYPERBILIRUBINEMIA, GILBERT TYPE; Gilbert Disease; Gilbert's syndrome. Identifiers: MedGen C0017551, MONDO:0007745, OMIM 143500.
Lucey-Driscoll syndrome (HBLRTFN). Also called: Transient familial neonatal hyperbilirubinemia. Identifiers: Orphanet 2312, MedGen C0270210, MONDO:0009383, OMIM 237900.

Allele frequency attached by ClinVar (database versions not stated): ExAC 0.00002; gnomAD 0.00005 and 0.00006; gnomAD exomes 0.00006; TOPMed 0.00006.
gnomAD v4.1: 174 of 1,614,102 alleles (0.011%); highest among the groups gnomAD compares: Middle Eastern, 0.16%; no homozygotes.

Submissions (5):

PreventionGenetics, part of Exact Sciences
Classification: Uncertain significance for UGT1A1-related condition. Last evaluated: 2026-06-06. Review status: criteria provided, single submitter. Criteria: ACMG Guidelines, 2015. Collection method: clinical testing. Allele origin: germline.
Comment: The UGT1A1 c.1411G>A variant is predicted to result in the amino acid substitution p.Ala471Thr. This variant has been reported in an individual with hypoalphalipoproteinemia (Table S3, Dong. 2022. PubMed ID: 35460704). This variant is reported in 0.011% of alleles in individuals of Latino descent in gnomAD. A different missense variant at the same residue (p.Ala471Gly) was reported along with the c.-41_-40dupTA risk variant in a patient with unconjugated hyperbilirubinemia (Trabelsi et al. 2021. PubMed ID: 33421605). At this time, the clinical significance of the c.1411G>A (p.Ala471Thr) variant is uncertain due to the absence of conclusive functional and genetic evidence.

CeGaT Center for Human Genetics Tuebingen
Classification: Uncertain significance. Last evaluated: 2025-10-01. Review status: criteria provided, single submitter. Criteria: CeGaT Center For Human Genetics Tuebingen Variant Classification Criteria Version 2. Collection method: clinical testing. Allele origin: germline. Affected: yes. Observed: 1 variant allele.
Comment: UGT1A1: PM2

Illumina Laboratory Services, Illumina
Classification: Uncertain significance for Gilbert syndrome. Last evaluated: 2018-01-13. Review status: criteria provided, single submitter. Criteria: ICSL Variant Classification Criteria 13 December 2019. Collection method: clinical testing. Allele origin: germline.

Illumina Laboratory Services, Illumina
Classification: Uncertain significance for Lucey-Driscoll syndrome. Last evaluated: 2018-01-13. Review status: criteria provided, single submitter. Criteria: ICSL Variant Classification Criteria 13 December 2019. Collection method: clinical testing. Allele origin: germline.

Illumina Laboratory Services, Illumina
Classification: Uncertain significance for Crigler-Najjar syndrome. Last evaluated: 2018-01-13. Review status: criteria provided, single submitter. Criteria: ICSL Variant Classification Criteria 13 December 2019. Collection method: clinical testing. Allele origin: germline.